The following is an entry in ClinVar:

ClinVar aggregate classification (germline): Uncertain significance. Review status: criteria provided, multiple submitters, no conflicts (2 of 4 stars). 2 submissions from 2 submitters: Uncertain significance (2). Last evaluated 2026-01-07.

Conditions:
Retinal dystrophy. Also called: Inherited retinal dystrophy. Identifiers: Orphanet 71862, MedGen C0854723, MeSH D058499, MONDO:0019118, HP:0000556.

Allele frequency attached by ClinVar (database versions not stated): TOPMed 0.00002; 1000 Genomes Project 30x 0.00016.
gnomAD v4.1: 23 of 1,614,016 alleles (0.0014%); highest among the groups gnomAD compares: East Asian, 0.027%; no homozygotes.

Submissions (2):

Labcorp Genetics (formerly Invitae), Labcorp
Classification: Uncertain significance. Last evaluated: 2026-01-07. Review status: criteria provided, single submitter. Criteria: Invitae Variant Classification Sherloc (09022015). Collection method: clinical testing. Allele origin: germline.
Comment: This sequence change replaces glycine, which is neutral and non-polar, with serine, which is neutral and polar, at codon 1303 of the ADGRA3 protein (p.Gly1303Ser). This variant is present in population databases (rs147716223, gnomAD 0.04%). This variant has not been reported in the literature in individuals affected with ADGRA3-related conditions. ClinVar contains an entry for this variant (Variation ID: 1023904). An algorithm developed to predict the effect of missense changes on protein structure and function outputs the following: PolyPhen-2: "Benign". The serine amino acid residue is found in multiple mammalian species, which suggests that this missense change does not adversely affect protein function. In summary, the available evidence is currently insufficient to determine the role of this variant in disease. Therefore, it has been classified as a Variant of Uncertain Significance.

Dept Of Ophthalmology, Nagoya University
Classification: Uncertain significance for Retinal dystrophy. Last evaluated: 2023-10-01. Review status: criteria provided, single submitter. Criteria: Submitter's publication. Collection method: research. Allele origin: germline. Affected: yes.

NM_145290.4(ADGRA3):c.3907G>A (p.Gly1303Ser)

Gene: ADGRA3 (adhesion G protein-coupled receptor A3; minus strand). Cytogenetic location: 4p15.2.
Variant type: single nucleotide variant.
Coding change: c.3907G>A on transcript NM_145290.4 (MANE Select); coding-DNA position 3907, G replaced by A.
Protein change: p.Gly1303Ser; replaces glycine 1303 with serine.
Molecular consequence: missense variant.
Genome position (GRCh38, 1-based): chr4:22,387,764, C>T on the plus strand (G>A on the coding strand, the complement: ADGRA3 is on the minus strand). VCF-style: chr4-22387764-C-T. GRCh37 (hg19) VCF-style: chr4-22389387-C-T.
Other names: short protein forms G1303S.
Identifiers: ClinVar variation 1023904 (VCV001023904.11), dbSNP rs147716223, ClinGen allele CA2873270.